The following is an entry in ClinVar:

NM_000540.3(RYR1):c.9745C>A (p.Leu3249Ile)

Gene: RYR1 (ryanodine receptor 1; plus strand). Cytogenetic location: 19q13.2.
Variant type: single nucleotide variant.
Coding change: c.9745C>A on transcript NM_000540.3 (MANE Select); coding-DNA position 9745, C replaced by A.
Protein change: p.Leu3249Ile; replaces leucine 3249 with isoleucine.
Molecular consequence: missense variant.
Genome position (GRCh38, 1-based): chr19:38,517,418, C>A. VCF-style: chr19-38517418-C-A. GRCh37 (hg19) VCF-style: chr19-39008058-C-A.
Other names: c.9745C>A, p.Leu3249Ile (NM_001042723.2); short protein forms L3249I.
Identifiers: ClinVar variation 3070618 (VCV003070618.1), dbSNP rs750239192, ClinGen allele CA405691767.

ClinVar aggregate classification (germline): Uncertain significance (1 of 4 stars; one submission).

Conditions:
Malignant hyperthermia, susceptibility to, 1 (MHS1). Also called: Anesthesia related hyperthermia; Malignant hyperpyrexia; Fulminating hyperpyrexia; Pharmacogenic myopathy; RYR1-Related Malignant Hyperthermia Susceptibility; Malignant hyperthermia suceptibility 1. Identifiers: Orphanet 423, MedGen C2930980, MONDO:0007783, OMIM 145600.

Submission:

All of Us Research Program, National Institutes of Health
Classification: Uncertain significance for Malignant hyperthermia, susceptibility to, 1. Last evaluated: 2023-04-27. Review status: criteria provided, single submitter. Criteria: ACMG Guidelines, 2015. Collection method: clinical testing. Allele origin: germline. Inheritance: Autosomal dominant inheritance. Observed: 1 variant allele, 1 heterozygote.
Comment: This study involves interpretation of variants in research participants for the purpose of population health screening. Participant phenotype was not available at the time of variant classification. Additional details can be found in publication PMID: 35346344, PMCID: PMC8962531